The following is an entry in ClinVar:

ClinVar aggregate classification (germline): Likely pathogenic (1 of 4 stars; one submission).

Conditions:
Cardiomyopathy, familial hypertrophic 27. Identifiers: MedGen C4748014, MONDO:0054838, OMIM 618052.

Submission:

3billion
Classification: Likely pathogenic for Cardiomyopathy, familial hypertrophic 27. Last evaluated: 2023-08-17. Review status: criteria provided, single submitter. Criteria: ACMG Guidelines, 2015. Collection method: clinical testing. Allele origin: germline. Affected: yes.
Comment: The variant is not observed in the gnomAD v2.1.1 dataset. Predicted Consequence/Location: Frameshift: predicted to result in a loss or disruption of normal protein function through nonsense-mediated decay (NMD) or protein truncation. Multiple pathogenic variants are reported downstream of the variant. Therefore, this variant is classified as Likely pathogenic according to the recommendation of ACMG/AMP guideline.

NM_020778.5(ALPK3):c.2143dup (p.Ser715fs)

Gene: ALPK3 (alpha kinase 3; plus strand). Cytogenetic location: 15q25.3.
Variant type: Duplication.
Coding change: c.2143dup on transcript NM_020778.5 (MANE Select); coding-DNA position 2143, one base duplicated (A; older notation c.2143dupA).
Protein change: p.Ser715fs; shifts the reading frame from serine 715.
Molecular consequence: frameshift variant.
Genome position (GRCh38, 1-based): chr15:84,856,881, A duplicated. VCF-style (leftmost placement, unchanged base first): chr15-84856880-G-GA. GRCh37 (hg19) VCF-style: chr15-85400111-G-GA.
Other names: short protein forms S715fs.
Identifiers: ClinVar variation 3775345 (VCV003775345.1).
Genomic context (GRCh38, chr15:84,856,880, plus strand): 5'-AGACAGAAGGATGCAGGGAGAGAAGGGGATGCAGGGAGAGAAGGGGACGCAGTCAGAGGG[G>GA]AGCGCGCCCACAGCCATGGAAGGTCAGTCTGAGCAAGAGGTGGCAACCAGCCTCGGCCCA-3'